The following is an entry in ClinVar:

ClinVar aggregate classification (germline): Uncertain significance. Review status: criteria provided, multiple submitters, no conflicts (2 of 4 stars). 2 submissions from 2 submitters: Uncertain significance (2). Last evaluated 2024-05-16.

Allele frequency attached by ClinVar (database versions not stated): gnomAD exomes 0.00002; ExAC 0.00005; ESP Exome Variant Server 0.00009; gnomAD 0.00016; TOPMed 0.00029.
gnomAD v4.1: 42 of 1,209,091 alleles (0.0035%); highest among the groups gnomAD compares: African/African-American, 0.066%; no homozygotes.

Submissions (2):

Women's Health and Genetics/Laboratory Corporation of America, LabCorp
Classification: Uncertain significance. Last evaluated: 2024-05-16. Review status: criteria provided, single submitter. Criteria: LabCorp Variant Classification Summary - May 2015. Collection method: clinical testing. Allele origin: germline.
Comment: Variant summary: BCORL1 c.301T>C (p.Tyr101His) results in a conservative amino acid change in the encoded protein sequence. Five of five in-silico tools predict a benign effect of the variant on protein function. The variant allele was found at a frequency of 6.6e-05 in 182587 control chromosomes. To our knowledge, no occurrence of c.301T>C in individuals affected with Shukla-Vernon Syndrome and no experimental evidence demonstrating its impact on protein function have been reported. ClinVar contains an entry for this variant (Variation ID: 2386517). Based on the evidence outlined above, the variant was classified as uncertain significance.

Ambry Genetics
Classification: Uncertain significance. Last evaluated: 2021-07-14. Review status: criteria provided, single submitter. Criteria: Ambry Variant Classification Scheme 2023. Collection method: clinical testing. Allele origin: germline.

Literature cited by the submitters: PubMed 24047651 (cited by Women's Health and Genetics/Laboratory Corporation of America, LabCorp); PubMed 26132940 (cited by Women's Health and Genetics/Laboratory Corporation of America, LabCorp); PubMed 25596268 (cited by Women's Health and Genetics/Laboratory Corporation of America, LabCorp); PubMed 26980726 (cited by Women's Health and Genetics/Laboratory Corporation of America, LabCorp); PubMed 29692343 (cited by Women's Health and Genetics/Laboratory Corporation of America, LabCorp).

NM_001379451.1(BCORL1):c.301T>C (p.Tyr101His)

Gene: BCORL1 (BCL6 corepressor like 1; plus strand). Cytogenetic location: Xq26.1.
Variant type: single nucleotide variant.
Coding change: c.301T>C on transcript NM_001379451.1 (MANE Select); coding-DNA position 301, T replaced by C.
Protein change: p.Tyr101His; replaces tyrosine 101 with histidine.
Molecular consequence: missense variant.
Genome position (GRCh38, 1-based): chrX:130,013,073, T>C. VCF-style: chrX-130013073-T-C. GRCh37 (hg19) VCF-style: chrX-129147049-T-C.
Other names: c.301T>C, p.Tyr101His (NM_001184772.3, NM_001379450.1, NM_021946.5); short protein forms Y101H.
Identifiers: ClinVar variation 2386517 (VCV002386517.3), dbSNP rs149417325, ClinGen allele CA10514100.
Genomic context (GRCh38, chrX:130,013,073, plus strand): 5'-ACAGAAAAACTTGGGCACAAGTCAGAAGACAAGCCTGACGATCCCCAGCCAAAAATGGAC[T>C]ACGCTGGGAACGTGGCAGAGGCTGAGGGCCTCTTGGTGCCCCTGAGCAGCCCAGGAGACG-3'
Protein context (NP_001366380.1, residues 91-111): KPDDPQPKMD[Tyr101His]AGNVAEAEGL